The following is an entry in ClinVar:

ClinVar aggregate classification (germline): Uncertain significance (1 of 4 stars; one submission).

Conditions:
Cystinuria (CSNU). Also called: CYSTINURIA, TYPE I; CYSTINURIA, TYPE II; CYSTINURIA, TYPE III; Cystinuria, non-type I. Identifiers: Orphanet 214, MedGen C0010691, MONDO:0009067, OMIM 220100, HP:0003131.

gnomAD v4.1: 20 of 1,614,008 alleles (0.0012%); highest among the groups gnomAD compares: Admixed American, 0.0017%; no homozygotes.

Submission:

Labcorp Genetics (formerly Invitae), Labcorp
Classification: Uncertain significance for Cystinuria. Last evaluated: 2024-07-30. Review status: criteria provided, single submitter. Criteria: Invitae Variant Classification Sherloc (09022015). Collection method: clinical testing. Allele origin: germline.
Comment: This sequence change replaces threonine, which is neutral and polar, with isoleucine, which is neutral and non-polar, at codon 624 of the SLC3A1 protein (p.Thr624Ile). This variant is present in population databases (rs745773702, gnomAD 0.003%). This missense change has been observed in individual(s) with clinical features of SLC3A1-related conditions (Invitae). Advanced modeling of protein sequence and biophysical properties (such as structural, functional, and spatial information, amino acid conservation, physicochemical variation, residue mobility, and thermodynamic stability) has been performed at Invitae for this missense variant, however the output from this modeling did not meet the statistical confidence thresholds required to predict the impact of this variant on SLC3A1 protein function. In summary, the available evidence is currently insufficient to determine the role of this variant in disease. Therefore, it has been classified as a Variant of Uncertain Significance.

NM_000341.4(SLC3A1):c.1871C>T (p.Thr624Ile)

Genes: PREPL (prolyl endopeptidase like; minus strand), SLC3A1 (solute carrier family 3 member 1; plus strand). Cytogenetic location: 2p21.
Variant type: single nucleotide variant.
Coding change: c.1871C>T on transcript NM_000341.4 (MANE Select); coding-DNA position 1871, C replaced by T.
Protein change: p.Thr624Ile; replaces threonine 624 with isoleucine.
Molecular consequence: missense variant. On other transcripts: 3 prime UTR variant (10).
Genome position (GRCh38, 1-based): chr2:44,320,452, C>T. VCF-style: chr2-44320452-C-T. GRCh37 (hg19) VCF-style: chr2-44547591-C-T.
Other names: c.*904G>A (NM_001042385.2, NM_001042386.2, NM_001171603.1 and 7 more transcripts); short protein forms T624I.
Identifiers: ClinVar variation 3707327 (VCV003707327.1).